The following is an entry in ClinVar:

NM_001355436.2(SPTB):c.4381del (p.Leu1461fs)

Gene: SPTB (spectrin beta, erythrocytic; minus strand). Cytogenetic location: 14q23.3.
Variant type: Deletion.
Coding change: c.4381del on transcript NM_001355436.2 (MANE Select); coding-DNA position 4381, one base deleted (C; older notation c.4381delC).
Protein change: p.Leu1461fs; shifts the reading frame from leucine 1461.
Molecular consequence: frameshift variant.
Genome position (GRCh38, 1-based): chr14:64,779,817, G deleted on the plus strand (C on the coding strand, the reverse complement: SPTB is on the minus strand); the first of 2 consecutive G bases (chr14:64,779,817-64,779,818); deleting either gives the same sequence. VCF-style (leftmost placement, unchanged base first): chr14-64779816-AG-A. GRCh37 (hg19) VCF-style: chr14-65246534-AG-A.
Other names: p.Leu1461Trpfs*7; c.4381del, p.Leu1461fs (NM_001024858.4, NM_001355437.2); short protein forms L1461fs.
Identifiers: ClinVar variation 4541848 (VCV004541848.1).
Genomic context (GRCh38, chr14:64,779,816, plus strand): 5'-AGCTTGGCTCTGGATGATTCCAGCTGCTTCTTCCTCCTTCCTAGGGGTTCCAGGAGGTCC[AG>A]GAACCGCTTCTCGATGCTCAAGTCTGCATCTCCTCCCTCCTCTCCCATTGAAGGCACCTG-3'

ClinVar aggregate classification (germline): Likely pathogenic (1 of 4 stars; one submission).

Submission:

Mayo Clinic Laboratories, Mayo Clinic
Classification: Likely pathogenic. Last evaluated: 2025-06-03. Review status: criteria provided, single submitter. Criteria: ACMG Guidelines, 2015. Collection method: clinical testing. Allele origin: germline. Observed: 1 variant allele.
Comment: PM2_supporting, PVS1